The following is an entry in ClinVar:

NM_015978.3(TNNI3K):c.2363A>G (p.Tyr788Cys)

Genes: FPGT-TNNI3K (FPGT-TNNI3K readthrough; plus strand), TNNI3K (TNNI3 interacting kinase; plus strand). Cytogenetic location: 1p31.1.
Variant type: single nucleotide variant.
Coding change: c.2363A>G on transcript NM_015978.3 (MANE Select); coding-DNA position 2363, A replaced by G.
Protein change: p.Tyr788Cys; replaces tyrosine 788 with cysteine.
Molecular consequence: missense variant.
Genome position (GRCh38, 1-based): chr1:74,540,245, A>G. VCF-style: chr1-74540245-A-G. GRCh37 (hg19) VCF-style: chr1-75005929-A-G.
Other names: c.2666A>G, p.Tyr889Cys (NM_001112808.3); short protein forms Y788C, Y889C.
Identifiers: ClinVar variation 1924171 (VCV001924171.6), dbSNP rs202003543, ClinGen allele CA909881.

ClinVar aggregate classification (germline): Conflicting classifications of pathogenicity. Review status: criteria provided, conflicting classifications (1 of 4 stars). 2 submissions from 2 submitters: Uncertain significance (1); Likely benign (1). Last evaluated 2025-10-30.

Conditions:
Inborn genetic diseases. Identifiers: MedGen C0950123, MeSH D030342.

Allele frequency attached by ClinVar (database versions not stated): gnomAD exomes below 0.00001; ExAC 0.00001; gnomAD 0.00001; TOPMed 0.00002; ESP Exome Variant Server 0.00008.
gnomAD v4.1: 4 of 1,612,226 alleles (0.00025%); highest among the groups gnomAD compares: African/African-American, 0.004%; no homozygotes.

Submissions (2):

Labcorp Genetics (formerly Invitae), Labcorp
Classification: Uncertain significance. Last evaluated: 2025-10-30. Review status: criteria provided, single submitter. Criteria: Invitae Variant Classification Sherloc (09022015). Collection method: clinical testing. Allele origin: germline.
Comment: This sequence change replaces tyrosine, which is neutral and polar, with cysteine, which is neutral and slightly polar, at codon 788 of the TNNI3K protein (p.Tyr788Cys). This variant is present in population databases (rs202003543, gnomAD 0.007%). This variant has not been reported in the literature in individuals affected with TNNI3K-related conditions. ClinVar contains an entry for this variant (Variation ID: 1924171). An algorithm developed to predict the effect of missense changes on protein structure and function outputs the following: PolyPhen-2: "Benign". The cysteine amino acid residue is found in multiple mammalian species, which suggests that this missense change does not adversely affect protein function. In summary, the available evidence is currently insufficient to determine the role of this variant in disease. Therefore, it has been classified as a Variant of Uncertain Significance.

Ambry Genetics
Classification: Likely benign for Inborn genetic diseases. Last evaluated: 2024-05-08. Review status: criteria provided, single submitter. Criteria: Ambry Variant Classification Scheme 2023. Collection method: clinical testing. Allele origin: germline.